The following is an entry in ClinVar:

NM_005428.4(VAV1):c.2046G>C (p.Glu682Asp)

Gene: VAV1 (vav guanine nucleotide exchange factor 1; plus strand). Cytogenetic location: 19p13.3.
Variant type: single nucleotide variant.
Coding change: c.2046G>C on transcript NM_005428.4 (MANE Select); coding-DNA position 2046, G replaced by C.
Protein change: p.Glu682Asp; replaces glutamic acid 682 with aspartic acid.
Molecular consequence: missense variant.
Genome position (GRCh38, 1-based): chr19:6,848,031, G>C. VCF-style: chr19-6848031-G-C. GRCh37 (hg19) VCF-style: chr19-6848042-G-C.
Other names: c.1980G>C, p.Glu660Asp (NM_001258206.2); c.1950G>C, p.Glu650Asp (NM_001258207.2); short protein forms E650D, E682D, E660D.
Identifiers: ClinVar variation 1493903 (VCV001493903.8), dbSNP rs2144822939, ClinGen allele CA403635178.

ClinVar aggregate classification (germline): Uncertain significance (1 of 4 stars; one submission).

gnomAD v4.1: 11 of 1,535,322 alleles (0.00072%); highest among the groups gnomAD compares: Non-Finnish European, 0.00096%; no homozygotes.

Submission:

Labcorp Genetics (formerly Invitae), Labcorp
Classification: Uncertain significance. Last evaluated: 2022-01-14. Review status: criteria provided, single submitter. Criteria: Invitae Variant Classification Sherloc (09022015). Collection method: clinical testing. Allele origin: germline.
Comment: In summary, the available evidence is currently insufficient to determine the role of this variant in disease. Therefore, it has been classified as a Variant of Uncertain Significance. Algorithms developed to predict the effect of missense changes on protein structure and function are either unavailable or do not agree on the potential impact of this missense change (SIFT: "Tolerated"; PolyPhen-2: "Possibly Damaging"; Align-GVGD: "Class C0"). This variant has not been reported in the literature in individuals affected with VAV1-related conditions. This variant is not present in population databases (gnomAD no frequency). This sequence change replaces glutamic acid, which is acidic and polar, with aspartic acid, which is acidic and polar, at codon 682 of the VAV1 protein (p.Glu682Asp).